The following is an entry in ClinVar:

ClinVar aggregate classification (germline): Uncertain significance. Review status: criteria provided, multiple submitters, no conflicts (2 of 4 stars). 2 submissions from 2 submitters: Uncertain significance (2). Last evaluated 2026-01-05.

Conditions:
Congenital muscular dystrophy due to integrin alpha-7 deficiency. Also called: Congenital muscular dystrophy with integrin alpha-7 deficiency; Muscular dystrophy, congenital, due to ITGA7 deficiency; MYOPATHY, CONGENITAL, DUE TO INTEGRIN ALPHA-7 DEFICIENCY. Identifiers: Orphanet 34520, MedGen C2750786, MONDO:0013177, OMIM 613204.

Allele frequency attached by ClinVar (database versions not stated): gnomAD exomes 0.00001 and 0.00007; TOPMed 0.00002; gnomAD 0.00003.
gnomAD v4.1: 111 of 1,614,004 alleles (0.0069%); highest among the groups gnomAD compares: Non-Finnish European, 0.0092%; no homozygotes.

Submissions (2):

Labcorp Genetics (formerly Invitae), Labcorp
Classification: Uncertain significance for Congenital muscular dystrophy due to integrin alpha-7 deficiency. Last evaluated: 2026-01-05. Review status: criteria provided, single submitter. Criteria: Invitae Variant Classification Sherloc (09022015). Collection method: clinical testing. Allele origin: germline.
Comment: This sequence change replaces serine, which is neutral and polar, with glycine, which is neutral and non-polar, at codon 547 of the ITGA7 protein (p.Ser547Gly). This variant is present in population databases (rs775740380, gnomAD 0.002%). This variant has not been reported in the literature in individuals affected with ITGA7-related conditions. ClinVar contains an entry for this variant (Variation ID: 1521648). An algorithm developed to predict the effect of missense changes on protein structure and function (PolyPhen-2) suggests that this variant is likely to be tolerated. In summary, the available evidence is currently insufficient to determine the role of this variant in disease. Therefore, it has been classified as a Variant of Uncertain Significance.

Ambry Genetics
Classification: Uncertain significance. Last evaluated: 2025-01-15. Review status: criteria provided, single submitter. Criteria: Ambry Variant Classification Scheme 2023. Collection method: clinical testing. Allele origin: germline.

NM_002206.3(ITGA7):c.1639A>G (p.Ser547Gly)

Gene: ITGA7 (integrin subunit alpha 7; minus strand). Cytogenetic location: 12q13.2.
Variant type: single nucleotide variant.
Coding change: c.1639A>G on transcript NM_002206.3 (MANE Select); coding-DNA position 1639, A replaced by G.
Protein change: p.Ser547Gly; replaces serine 547 with glycine.
Molecular consequence: missense variant.
Genome position (GRCh38, 1-based): chr12:55,696,997, T>C on the plus strand (A>G on the coding strand, the complement: ITGA7 is on the minus strand). VCF-style: chr12-55696997-T-C. GRCh37 (hg19) VCF-style: chr12-56090781-T-C.
Other names: c.1651A>G, p.Ser551Gly (NM_001144996.2); c.1360A>G, p.Ser454Gly (NM_001144997.2); c.1312A>G, p.Ser438Gly (NM_001367993.1); c.295A>G, p.Ser99Gly (NM_001367994.1); c.1621A>G, p.Ser541Gly (NM_001374465.1); c.1771A>G, p.Ser591Gly (NM_001410977.1); c.1633A>G, p.Ser545Gly (NM_001414029.1); c.1564A>G, p.Ser522Gly (NM_001414030.1); and 5 more; short protein forms S547G, S454G, S438G, S99G, S551G, S541G, S591G, S486G.
Identifiers: ClinVar variation 1521648 (VCV001521648.7), dbSNP rs775740380, ClinGen allele CA10642863.